The following is an entry in ClinVar:

ClinVar aggregate classification (germline): Uncertain significance. Review status: criteria provided, multiple submitters, no conflicts (2 of 4 stars). 3 submissions from 3 submitters: Uncertain significance (3). Last evaluated 2026-09-11.

Conditions:
Cardiovascular phenotype. Identifiers: MedGen CN230736.
RASopathy. Also called: rasopathies; Noonan spectrum disorder. Identifiers: Orphanet 536391, MedGen C5555857, MONDO:0021060.

gnomAD v4.1: 5 of 1,614,088 alleles (0.00031%); highest among the groups gnomAD compares: Admixed American, 0.005%; no homozygotes.

Submissions (3):

GeneDx
Classification: Uncertain significance. Last evaluated: 2026-09-11. Review status: criteria provided, single submitter. Criteria: GeneDx Variant Classification Process June 2021. Collection method: clinical testing. Allele origin: germline.
Comment: Missense variants in this gene are often considered pathogenic (HGMD); In silico analysis supports that this missense variant has a deleterious effect on protein structure/function; Has not been previously published as pathogenic or benign to our knowledge; This variant is associated with the following publications: (PMID: 24957944, 9689060, 15520807, 17603483, 17603482, 29493581, 19020799)

Ambry Genetics
Classification: Uncertain significance for Cardiovascular phenotype. Last evaluated: 2025-12-17. Review status: criteria provided, single submitter. Criteria: Ambry Variant Classification Scheme 2023. Collection method: clinical testing. Allele origin: germline.

Labcorp Genetics (formerly Invitae), Labcorp
Classification: Uncertain significance for RASopathy. Last evaluated: 2024-05-21. Review status: criteria provided, single submitter. Criteria: Invitae Variant Classification Sherloc (09022015). Collection method: clinical testing. Allele origin: germline.
Comment: This sequence change replaces arginine, which is basic and polar, with proline, which is neutral and non-polar, at codon 627 of the RAF1 protein (p.Arg627Pro). This variant is not present in population databases (gnomAD no frequency). This variant has not been reported in the literature in individuals affected with RAF1-related conditions. ClinVar contains an entry for this variant (Variation ID: 1878904). Advanced modeling of protein sequence and biophysical properties (such as structural, functional, and spatial information, amino acid conservation, physicochemical variation, residue mobility, and thermodynamic stability) performed at Invitae indicates that this missense variant is expected to disrupt RAF1 protein function with a positive predictive value of 95%. In summary, the available evidence is currently insufficient to determine the role of this variant in disease. Therefore, it has been classified as a Variant of Uncertain Significance.

NM_002880.4(RAF1):c.1880G>C (p.Arg627Pro)

Gene: RAF1 (Raf-1 proto-oncogene, serine/threonine kinase; minus strand). Cytogenetic location: 3p25.2.
Variant type: single nucleotide variant.
Coding change: c.1880G>C on transcript NM_002880.4 (MANE Select); coding-DNA position 1880, G replaced by C.
Protein change: p.Arg627Pro; replaces arginine 627 with proline.
Molecular consequence: missense variant. On other transcripts: non-coding transcript variant (3).
Genome position (GRCh38, 1-based): chr3:12,584,581, C>G on the plus strand (G>C on the coding strand, the complement: RAF1 is on the minus strand). VCF-style: chr3-12584581-C-G. GRCh37 (hg19) VCF-style: chr3-12626080-C-G.
Other names: c.1940G>C, p.Arg647Pro (NM_001354689.3); c.1880G>C, p.Arg627Pro (NM_001354690.3); c.1637G>C, p.Arg546Pro (NM_001354691.3, NM_001354692.3); c.1781G>C, p.Arg594Pro (NM_001354693.3); c.1697G>C, p.Arg566Pro (NM_001354694.3); c.1538G>C, p.Arg513Pro (NM_001354695.3); short protein forms R513P, R546P, R566P, R594P, R627P, R647P.
Identifiers: ClinVar variation 1878904 (VCV001878904.7), dbSNP rs730881006, ClinGen allele CA351495761.